The following is an entry in ClinVar:

ClinVar aggregate classification (germline): Pathogenic. Review status: criteria provided, multiple submitters, no conflicts (2 of 4 stars). 11 submissions from 11 submitters: Pathogenic (9). 2 of the submissions do not count toward it. Last evaluated 2026-05-05.

Conditions:
CHM-related disorders.
CHM-related disorder. Also called: CHM-related condition.
Retinal dystrophy. Also called: Inherited retinal dystrophy. Identifiers: Orphanet 71862, MedGen C0854723, MeSH D058499, MONDO:0019118, HP:0000556.
Choroideremia. Also called: Chorioretinal scalloped atrophy. Identifiers: Orphanet 180, MedGen C0008525, MONDO:0010557, OMIM 303100, HP:0001139.

Submissions (11):

PreventionGenetics, part of Exact Sciences
Classification: Pathogenic for CHM-related condition. Last evaluated: 2026-05-05. Review status: criteria provided, single submitter. Criteria: ACMG Guidelines, 2015. Collection method: clinical testing. Allele origin: germline.
Comment: The CHM c.808C>T variant is predicted to result in premature protein termination (p.Arg270*). This variant has been reported in individuals with choroideremia (see for example: Fujiki et al. 1999. PubMed ID: 10447648; Table S4, Liu et al. 2020. PubMed ID: 33090715; Supplementary table 1, Weisschuh et al. 2024. PubMed ID: 37734845). This variant has not been reported in a large population database (gnomAD), indicating this variant is rare. Nonsense variants in CHM are expected to be pathogenic. This variant is interpreted as pathogenic.

Labcorp Genetics (formerly Invitae), Labcorp
Classification: Pathogenic. Last evaluated: 2025-04-17. Review status: criteria provided, single submitter. Criteria: Invitae Variant Classification Sherloc (09022015). Collection method: clinical testing. Allele origin: germline.
Comment: This sequence change creates a premature translational stop signal (p.Arg270*) in the CHM gene. It is expected to result in an absent or disrupted protein product. Loss-of-function variants in CHM are known to be pathogenic (PMID: 9067750, 23811034). This variant is not present in population databases (gnomAD no frequency). This premature translational stop signal has been observed in individuals with choroideremia (PMID: 1044764, 25912515). ClinVar contains an entry for this variant (Variation ID: 143078). For these reasons, this variant has been classified as Pathogenic.

3billion
Classification: Pathogenic for Choroideremia. Last evaluated: 2023-12-26. Review status: criteria provided, single submitter. Criteria: ACMG Guidelines, 2015. Collection method: clinical testing. Allele origin: germline. Affected: yes.
Comment: The variant is not observed in the gnomAD v2.1.1 dataset. Predicted Consequence/Location: Stop-gained (nonsense): predicted to result in a loss or disruption of normal protein function through nonsense-mediated decay (NMD) or protein truncation. Multiple pathogenic variants are reported downstream of the variant. The variant has been reported at least twice as pathogenic with clinical assertions and evidence for the classification (ClinVar ID: VCV000143078 /PMID: 10447648). Therefore, this variant is classified as Pathogenic according to the recommendation of ACMG/AMP guideline.

Dept Of Ophthalmology, Nagoya University
Classification: Pathogenic for Retinal dystrophy. Last evaluated: 2023-10-01. Review status: criteria provided, single submitter. Criteria: Submitter's publication. Collection method: research. Allele origin: germline. Affected: yes.

GeneDx
Classification: Pathogenic. Last evaluated: 2023-01-25. Review status: criteria provided, single submitter. Criteria: GeneDx Variant Classification Process June 2021. Collection method: clinical testing. Allele origin: germline. Affected: yes.
Comment: Nonsense variant predicted to result in protein truncation or nonsense mediated decay in a gene for which loss-of-function is a known mechanism of disease; Not observed at significant frequency in large population cohorts (gnomAD); This variant is associated with the following publications: (PMID: 25525159, 10447648, 26327910, 25912515, 29625443, 31922496, 33090715)

Blueprint Genetics
Classification: Pathogenic for CHM-related disorders. Last evaluated: 2022-11-29. Review status: criteria provided, single submitter. Criteria: ACMG Guidelines, 2015. Collection method: clinical testing. Allele origin: germline. Affected: yes. Observed: 5 variant alleles.

CeGaT Center for Human Genetics Tuebingen
Classification: Pathogenic. Last evaluated: 2022-10-01. Review status: criteria provided, single submitter. Criteria: CeGaT Center For Human Genetics Tuebingen Variant Classification Criteria Version 2. Collection method: clinical testing. Allele origin: germline. Affected: yes. Observed: 1 variant allele.
Comment: CHM: PVS1, PM2, PS4:Moderate

Institute of Medical Genetics and Applied Genomics, University Hospital Tübingen
Classification: Pathogenic. Last evaluated: 2020-10-23. Review status: criteria provided, single submitter. Criteria: ACMG Guidelines, 2015. Collection method: clinical testing. Allele origin: germline. Inheritance: Unknown mechanism. Affected: yes.

Institute of Human Genetics, Univ. Regensburg, Univ. Regensburg
Classification: Pathogenic for Retinal dystrophy. Last evaluated: 2016-01-01. Review status: criteria provided, single submitter. Criteria: ACMG Guidelines, 2015. Collection method: clinical testing. Allele origin: germline. Affected: yes.

Natera, Inc.
Classification: Pathogenic for Choroideremia. Last evaluated: 2020-12-14. Review status: no assertion criteria provided. Collection method: clinical testing. Allele origin: germline. Not counted in ClinVar's aggregate classification.

Department of Ophthalmology and Visual Sciences Kyoto University
Classification: Pathogenic for Choroideremia. Review status: no assertion criteria provided. Collection method: not provided. Allele origin: unknown. Not counted in ClinVar's aggregate classification.
ClinVar note: Converted during submission from pathogenic to Pathogenic.

Literature cited by the submitters: PubMed 9067750 (cited by Labcorp Genetics (formerly Invitae), Labcorp); PubMed 23811034 (cited by Labcorp Genetics (formerly Invitae), Labcorp); PubMed 1044764 (cited by Labcorp Genetics (formerly Invitae), Labcorp); PubMed 25912515 (cited by Labcorp Genetics (formerly Invitae), Labcorp); PubMed 10447648 (cited by 3billion and Institute of Human Genetics, Univ. Regensburg, Univ. Regensburg); PubMed 25525159 (cited by Institute of Human Genetics, Univ. Regensburg, Univ. Regensburg); PubMed 29625443 (cited by Institute of Human Genetics, Univ. Regensburg, Univ. Regensburg); PubMed 31922496 (cited by Institute of Human Genetics, Univ. Regensburg, Univ. Regensburg); PubMed 33090715 (cited by Institute of Human Genetics, Univ. Regensburg, Univ. Regensburg); PubMed 36460718 (cited by Institute of Human Genetics, Univ. Regensburg, Univ. Regensburg); PubMed 36284460 (cited by Institute of Human Genetics, Univ. Regensburg, Univ. Regensburg).

NM_000390.4(CHM):c.808C>T (p.Arg270Ter)

Gene: CHM (CHM Rab escort protein; minus strand). Cytogenetic location: Xq21.2.
Variant type: single nucleotide variant.
Coding change: c.808C>T on transcript NM_000390.4 (MANE Select); coding-DNA position 808, C replaced by T.
Protein change: p.Arg270Ter; replaces arginine 270 with a stop codon.
Molecular consequence: nonsense.
Genome position (GRCh38, 1-based): chrX:85,958,872, G>A on the plus strand (C>T on the coding strand, the complement: CHM is on the minus strand). VCF-style: chrX-85958872-G-A. GRCh37 (hg19) VCF-style: chrX-85213877-G-A.
Other names: c.808C>T (LRG_699t1, NM_000390.3); c.364C>T, p.Arg122Ter (NM_001320959.1, NM_001362517.1, NM_001362518.2 and 1 more transcripts); short protein forms R270*, R122*.
Identifiers: ClinVar variation 143078 (VCV000143078.49), dbSNP rs527236048, ClinGen allele CA270018.